The following is an entry in ClinVar:

ClinVar aggregate classification (germline): Likely pathogenic (1 of 4 stars; one submission).

Submission:

Genetic Services Laboratory, University of Chicago
Classification: Likely pathogenic. Last evaluated: 2018-12-13. Review status: criteria provided, single submitter. Criteria: ACMG Guidelines, 2015. Collection method: clinical testing. Allele origin: germline. Affected: yes.
Comment: DNA sequence analysis of the DSP gene demonstrated a sequence change, c.6767G>A, in exon 24 that results in an amino acid change, p.Gly2256Asp. The p.Gly2256Asp change affects a highly conserved amino acid residue located in a domain of the DSP protein that is known to be functional. The p.Gly2256Asp change is absent from the gnomAD population database. Based on available exome sequencing data, this sequence change is absent in both parents. The p.Gly2256Asp substitution appears to be deleterious using several in-silico pathogenicity prediction tools (PolyPhen2, MutationTaster, REVEL, CADD). This sequence change is likely a pathogenic sequence change; however functional studies have not been performed to prove this conclusively.

NM_004415.4(DSP):c.6767G>A (p.Gly2256Asp)

Gene: DSP (desmoplakin; plus strand). Cytogenetic location: 6p24.3.
Variant type: single nucleotide variant.
Coding change: c.6767G>A on transcript NM_004415.4 (MANE Select); coding-DNA position 6767, G replaced by A.
Protein change: p.Gly2256Asp; replaces glycine 2256 with aspartic acid.
Molecular consequence: missense variant.
Genome position (GRCh38, 1-based): chr6:7,584,029, G>A. VCF-style: chr6-7584029-G-A. GRCh37 (hg19) VCF-style: chr6-7584262-G-A.
Other names: c.4970G>A, p.Gly1657Asp (NM_001008844.3); c.5438G>A, p.Gly1813Asp (NM_001319034.2); short protein forms G1657D, G1813D, G2256D.
Identifiers: ClinVar variation 1335941 (VCV001335941.4), dbSNP rs2113701022, ClinGen allele CA362691507.